The following is an entry in ClinVar:

ClinVar aggregate classification (germline): Pathogenic (1 of 4 stars; one submission).

Submission:

Labcorp Genetics (formerly Invitae), Labcorp
Classification: Pathogenic. Last evaluated: 2016-10-13. Review status: criteria provided, single submitter. Criteria: Invitae Variant Classification Sherloc (09022015). Collection method: clinical testing. Allele origin: germline.
Comment: This sequence change deletes 8 nucleotides from exon 7 of the SMARCB1 mRNA (c.969_976del), causing a frameshift at codon 324. This creates a premature translational stop signal (p.Lys324Argfs*34) and is expected to result in an absent or disrupted protein product. While this particular variant has not been reported in the literature, loss-of-function variants in SMARCB1 are known to be pathogenic (PMID: 10521299, 21208904). For these reasons, this variant has been classified as Pathogenic.

Literature cited by the submitters: PubMed 10521299; PubMed 21208904.

NM_003073.5(SMARCB1):c.969_976del (p.Lys324fs)

Gene: SMARCB1 (SWI/SNF related BAF chromatin remodeling complex subunit B1; plus strand). Cytogenetic location: 22q11.23.
Variant type: Deletion.
Coding change: c.969_976del on transcript NM_003073.5 (MANE Select); coding-DNA positions 969 to 976, 8 bases deleted (GAAGACCT; older notation c.969_976delGAAGACCT).
Protein change: p.Lys324fs; shifts the reading frame from lysine 324.
Molecular consequence: frameshift variant.
Genome position (GRCh38, 1-based): chr22:23,825,398-23,825,405, GAAGACCT deleted. VCF-style (leftmost placement, unchanged base first): chr22-23825397-AGAAGACCT-A. GRCh37 (hg19) VCF-style: chr22-24167584-AGAAGACCT-A.
Other names: c.969_976del (LRG_520t1); c.942_949del, p.Lys315fs (NM_001007468.3); c.996_1003del, p.Lys333fs (NM_001317946.2); c.1023_1030del, p.Lys342fs (NM_001362877.2); short protein forms K324fs, K333fs, K315fs, K342fs.
Identifiers: ClinVar variation 410704 (VCV000410704.8), dbSNP rs1060503017, ClinGen allele CA16616296.